The following is an entry in ClinVar:

NM_003470.3(USP7):c.1480A>G (p.Ile494Val)

Gene: USP7 (ubiquitin specific peptidase 7; minus strand). Cytogenetic location: 16p13.2.
Variant type: single nucleotide variant.
Coding change: c.1480A>G on transcript NM_003470.3 (MANE Select); coding-DNA position 1480, A replaced by G.
Protein change: p.Ile494Val; replaces isoleucine 494 with valine.
Molecular consequence: missense variant. On other transcripts: non-coding transcript variant (1).
Genome position (GRCh38, 1-based): chr16:8,905,280, T>C on the plus strand (A>G on the coding strand, the complement: USP7 is on the minus strand). VCF-style: chr16-8905280-T-C. GRCh37 (hg19) VCF-style: chr16-8999137-T-C.
Other names: c.1432A>G, p.Ile478Val (NM_001286457.2); c.1183A>G, p.Ile395Val (NM_001286458.2); c.1306A>G, p.Ile436Val (NM_001321858.2); short protein forms I395V, I436V, I478V, I494V.
Identifiers: ClinVar variation 3907882 (VCV003907882.1).

ClinVar aggregate classification (germline): Uncertain significance (1 of 4 stars; one submission).

gnomAD v4.1: 25 of 1,614,206 alleles (0.0015%); highest among the groups gnomAD compares: South Asian, 0.011%; no homozygotes.

Submission:

GeneDx
Classification: Uncertain significance. Last evaluated: 2024-12-27. Review status: criteria provided, single submitter. Criteria: GeneDx Variant Classification Process June 2021. Collection method: clinical testing. Allele origin: germline. Affected: yes.
Comment: Reported in an individual with a presumed neurodevelopmental disorder, however specific clinical information was not provided on this individual (PMID: 38221796); In silico analysis indicates that this missense variant does not alter protein structure/function; This variant is associated with the following publications: (PMID: 38221796)